The following is an entry in ClinVar:

ClinVar aggregate classification (germline): Likely benign (1 of 4 stars; one submission).

Conditions:
RGS9BP-related disorder. Also called: RGS9BP-related condition.

Submission:

PreventionGenetics, part of Exact Sciences
Classification: Likely benign for RGS9BP-related condition. Last evaluated: 2026-08-20. Review status: criteria provided, single submitter. Criteria: ACMG Guidelines, 2015. Collection method: clinical testing. Allele origin: germline.
Comment: This variant is classified as likely benign based on ACMG/AMP sequence variant interpretation guidelines (Richards et al. 2015 PMID: 25741868, with internal and published modifications).

NM_207391.3(RGS9BP):c.381C>A (p.Arg127=)

Gene: RGS9BP (regulator of G protein signaling 9 binding protein; plus strand). Cytogenetic location: 19q13.11.
Variant type: single nucleotide variant.
Coding change: c.381C>A on transcript NM_207391.3 (MANE Select); coding-DNA position 381, C replaced by A.
Protein change: p.Arg127=; no amino-acid change (arginine 127 retained).
Molecular consequence: synonymous variant.
Genome position (GRCh38, 1-based): chr19:32,676,644, C>A. VCF-style: chr19-32676644-C-A. GRCh37 (hg19) VCF-style: chr19-33167550-C-A.
Identifiers: ClinVar variation 4994730 (VCV004994730.1).
Genomic context (GRCh38, chr19:32,676,644, plus strand): 5'-GCCGCGGCGGCCGCTGGTGCGCACAGGTGTGGCTGGCGCCTCCTCCGGCGTGGCGGCGCG[C>A]GCGCTGAGCACCCGCAGCCTGCGGCTCGAGGCGGAGGGCGACTTCGACGTCGCGGACCTG-3'
Protein context (NP_997274.2, residues 117-137): VAGASSGVAA[Arg127=]ALSTRSLRLE